The following is an entry in ClinVar:

GRCh38/hg38 1p21.1-13.3(chr1:106074587-110144290)x1

Genes: AHCYL1 (adenosylhomocysteinase like 1; plus strand), AKNAD1 (AKNA domain containing 1; minus strand), ALX3 (ALX homeobox 3; minus strand), AMIGO1 (adhesion molecule with Ig like domain 1; minus strand), AMPD2 (adenosine monophosphate deaminase 2; plus strand) and 145 more. Cytogenetic location: 1p21.1-13.3.
Variant type: copy number loss.
Change: copy number 1 (one copy instead of two) of chr1:106,074,587-110,144,290 (4.07 Mb, GRCh38 coordinates, 1-based), cytogenetic band 1p21.1-13.3.
Identifiers: ClinVar variation 60009 (VCV000060009.1).

ClinVar aggregate classification (germline): Pathogenic (1 of 4 stars; one submission).

Submission:

ISCA site 15
Classification: Pathogenic. Last evaluated: 2011-08-12. Review status: criteria provided, single submitter. Criteria: Kaminsky et al. (Genet Med. 2011). Collection method: clinical testing. Allele origin: unknown. Affected: yes. Observed: 1 variant allele.
Comment: Copy number variation identified through the course of routine clinical cytogenomic testing in postnatal populations. Clinical assertions have been curated as described in Kaminsky et al. 2011.